The following is an entry in ClinVar:

ClinVar aggregate classification (germline): Uncertain significance. Review status: criteria provided, single submitter (1 of 4 stars). 2 submissions from 2 submitters: Uncertain significance (1). 1 of the submissions does not count toward it. Last evaluated 2025-04-10.

Conditions:
Hereditary spastic paraplegia 7 (SPG7). Also called: Spastic paraplegia 7; Hereditary spastic paraplegia Paraplegin type; SPASTIC PARAPLEGIA 7, AUTOSOMAL RECESSIVE, WITH OR WITHOUT CEREBELLAR ATAXIA; SPG7-related neurologic disorder; Autosomal recessive spastic paraplegia type 7. Identifiers: Orphanet 99013, MedGen C1846564, MONDO:0011803, OMIM 607259.

gnomAD v4.1: 20 of 1,614,084 alleles (0.0012%); highest among the groups gnomAD compares: Middle Eastern, 0.016%; no homozygotes.

Submissions (2):

Labcorp Genetics (formerly Invitae), Labcorp
Classification: Uncertain significance for Hereditary spastic paraplegia 7. Last evaluated: 2025-04-10. Review status: criteria provided, single submitter. Criteria: Invitae Variant Classification Sherloc (09022015). Collection method: clinical testing. Allele origin: germline.
Comment: This sequence change replaces arginine, which is basic and polar, with tryptophan, which is neutral and slightly polar, at codon 473 of the SPG7 protein (p.Arg473Trp). This variant is present in population databases (rs372417357, gnomAD 0.01%). This missense change has been observed in individual(s) with hereditary spastic paraplegia (PMID: 39825153). ClinVar contains an entry for this variant (Variation ID: 3256736). Invitae Evidence Modeling of protein sequence and biophysical properties (such as structural, functional, and spatial information, amino acid conservation, physicochemical variation, residue mobility, and thermodynamic stability) indicates that this missense variant is expected to disrupt SPG7 protein function with a positive predictive value of 80%. In summary, the available evidence is currently insufficient to determine the role of this variant in disease. Therefore, it has been classified as a Variant of Uncertain Significance.

Solve-RD Consortium
Classification: Likely pathogenic for Hereditary spastic paraplegia 7. Last evaluated: 2022-06-01. Review status: no assertion criteria provided. Collection method: provider interpretation. Allele origin: inherited. Affected: yes. Not counted in ClinVar's aggregate classification.
Comment: Variant confirmed as disease-causing by referring clinical team

Variant identified during reanalysis of unsolved cases by the Solve-RD project. The Solve-RD project has received funding from the European Union’s Horizon 2020 research and innovation programme under grant agreement No 779257.

Literature cited by the submitters: PubMed 39825153 (cited by Labcorp Genetics (formerly Invitae), Labcorp and Solve-RD Consortium).

NM_003119.4(SPG7):c.1417C>T (p.Arg473Trp)

Gene: SPG7 (SPG7 matrix AAA peptidase subunit, paraplegin; plus strand). Cytogenetic location: 16q24.3.
Variant type: single nucleotide variant.
Coding change: c.1417C>T on transcript NM_003119.4 (MANE Select); coding-DNA position 1417, C replaced by T.
Protein change: p.Arg473Trp; replaces arginine 473 with tryptophan.
Molecular consequence: missense variant.
Genome position (GRCh38, 1-based): chr16:89,544,740, C>T. VCF-style: chr16-89544740-C-T. GRCh37 (hg19) VCF-style: chr16-89611148-C-T.
Other names: c.1417C>T, p.Arg473Trp (NM_001363850.1); short protein forms R473W.
Identifiers: ClinVar variation 3256736 (VCV003256736.2).
Genomic context (GRCh38, chr16:89,544,740, plus strand): 5'-GCGTCCACGAACCGAGCTGACATTTTGGACGGTGCTCTGATGAGGCCAGGCCGACTGGAC[C>T]GGCACGTCTTCATTGATCTCCCCACGCTGCAGGTCAGAGCCAGGATCCCAGCCTCTCCCA-3'
Protein context (NP_003110.1, residues 463-483): GALMRPGRLD[Arg473Trp]HVFIDLPTLQ